The following is an entry in ClinVar:

NM_000090.4(COL3A1):c.3079T>G (p.Ser1027Ala)

Gene: COL3A1 (collagen type III alpha 1 chain; plus strand). Cytogenetic location: 2q32.2.
Variant type: single nucleotide variant.
Coding change: c.3079T>G on transcript NM_000090.4 (MANE Select); coding-DNA position 3079, T replaced by G.
Protein change: p.Ser1027Ala; replaces serine 1027 with alanine.
Molecular consequence: missense variant.
Genome position (GRCh38, 1-based): chr2:189,006,245, T>G. VCF-style: chr2-189006245-T-G. GRCh37 (hg19) VCF-style: chr2-189870971-T-G.
Other names: short protein forms S1027A.
Identifiers: ClinVar variation 3073432 (VCV003073432.1), dbSNP rs1559061611, ClinGen allele CA349844967.

ClinVar aggregate classification (germline): Uncertain significance (1 of 4 stars; one submission).

Conditions:
Ehlers-Danlos syndrome, type 4 (EDSVASC). Also called: Ehlers-Danlos Syndrome Type IV; Ehlers-Danlos syndrome vascular type; Ehlers Danlos syndrome, ecchymotic type; Ehlers Danlos syndrome, arterial type; Ehlers Danlos syndrome, Sack-Barabas type. Identifiers: Orphanet 286, MedGen C0268338, MONDO:0017314, OMIM 130050.

Allele frequency attached by ClinVar (database versions not stated): gnomAD 0.00001.

Submission:

All of Us Research Program, National Institutes of Health
Classification: Uncertain significance for Ehlers-Danlos syndrome, type 4. Last evaluated: 2023-09-17. Review status: criteria provided, single submitter. Criteria: ACMG Guidelines, 2015. Collection method: clinical testing. Allele origin: germline. Inheritance: Autosomal dominant inheritance. Observed: 1 variant allele, 1 heterozygote.
Comment: This missense variant replaces serine with alanine at codon 1027 of the COL3A1 protein. Computational prediction suggests that this variant may not impact protein structure and function (internally defined REVEL score threshold <= 0.5, PMID: 27666373). To our knowledge, functional studies have not been reported for this variant. This variant has not been reported in individuals affected with COL3A1-related disorders in the literature. This variant has been identified in 1/31408 chromosomes in the general population by the Genome Aggregation Database (gnomAD). The available evidence is insufficient to determine the role of this variant in disease conclusively. Therefore, this variant is classified as a Variant of Uncertain Significance.

This study involves interpretation of variants in research participants for the purpose of population health screening. Participant phenotype was not available at the time of variant classification. Additional details can be found in publication PMID: 35346344, PMCID: PMC8962531